The following is an entry in ClinVar:

NM_001953.5(TYMP):c.729del (p.Asn244fs)

Gene: TYMP (thymidine phosphorylase; minus strand). Cytogenetic location: 22q13.33.
Variant type: Deletion.
Coding change: c.729del on transcript NM_001953.5 (MANE Select); coding-DNA position 729, one base deleted (C; older notation c.729delC).
Protein change: p.Asn244fs; shifts the reading frame from asparagine 244.
Molecular consequence: frameshift variant.
Genome position (GRCh38, 1-based): chr22:50,527,201, G deleted on the plus strand (C on the coding strand, the reverse complement: TYMP is on the minus strand); the first of 4 consecutive G bases (chr22:50,527,201-50,527,204); deleting any one gives the same sequence. VCF-style (leftmost placement, unchanged base first): chr22-50527200-TG-T. GRCh37 (hg19) VCF-style: chr22-50965629-TG-T.
Other names: c.729del, p.Asn244fs (NM_001113755.3, NM_001113756.3, NM_001257988.1 and 1 more transcripts); short protein forms N244fs.
Identifiers: ClinVar variation 1323728 (VCV001323728.46), dbSNP rs755728248, ClinGen allele CA10321587.

ClinVar aggregate classification (germline): Pathogenic. Review status: criteria provided, multiple submitters, no conflicts (2 of 4 stars). 2 submissions from 2 submitters: Pathogenic (2). Last evaluated 2026-03-19.

Conditions:
Mitochondrial DNA depletion syndrome 1. Also called: POLIP SYNDROME; POLYNEUROPATHY, OPHTHALMOPLEGIA, LEUKOENCEPHALOPATHY, AND INTESTINAL PSEUDOOBSTRUCTION; Mitochondrial neurogastrointestinal encephalomyopathy syndrome; Mitochondrial Neurogastrointestinal Encephalopathy Disease; MITOCHONDRIAL NEUROGASTROINTESTINAL ENCEPHALOPATHY SYNDROME, TYMP-RELATED; MNGIE, TYMP-RELATED. Identifiers: Orphanet 298, MedGen C4551995, MONDO:0011283, OMIM 603041.

Submissions (2):

Myriad Genetics, Inc.
Classification: Pathogenic for Mitochondrial DNA depletion syndrome 1. Last evaluated: 2026-03-19. Review status: criteria provided, single submitter. Criteria: Myriad Autosomal Dominant, Autosomal Recessive and X-Linked Classification Criteria (2023). Collection method: clinical testing. Allele origin: unknown.
Comment: NM_001953.4(TYMP):c.729delC(N244Tfs*19) is a frameshift variant classified as pathogenic in the context of mitochondrial neurogastrointestinal encephalopathy disease. N244Tfs*19 has been observed in a case with relevant disease (PMID: 36531873). Relevant functional assessments of this variant are not available in the literature. N244Tfs*19 has been observed in referenced population frequency databases. In summary, NM_001953.4(TYMP):c.729delC(N244Tfs*19) is a frameshift variant in a gene where loss of function is a known mechanism of disease, is predicted to disrupt protein function, and has been observed more frequently in cases with the relevant disease than in healthy populations. Please note: this variant was assessed in the context of healthy population screening.

Labcorp Genetics (formerly Invitae), Labcorp
Classification: Pathogenic. Last evaluated: 2024-01-24. Review status: criteria provided, single submitter. Criteria: Invitae Variant Classification Sherloc (09022015). Collection method: clinical testing. Allele origin: germline.
Comment: This sequence change creates a premature translational stop signal (p.Asn244Thrfs*19) in the TYMP gene. It is expected to result in an absent or disrupted protein product. Loss-of-function variants in TYMP are known to be pathogenic (PMID: 9924029, 15781193). This variant is present in population databases (rs755728248, gnomAD 0.02%). This variant has not been reported in the literature in individuals affected with TYMP-related conditions. ClinVar contains an entry for this variant (Variation ID: 1323728). Algorithms developed to predict the effect of sequence changes on RNA splicing suggest that this variant may disrupt the consensus splice site. For these reasons, this variant has been classified as Pathogenic.

Literature cited by the submitters: PubMed 36531873 (cited by Myriad Genetics, Inc.); PubMed 9924029 (cited by Labcorp Genetics (formerly Invitae), Labcorp); PubMed 15781193 (cited by Labcorp Genetics (formerly Invitae), Labcorp).